The following is an entry in ClinVar:

ClinVar aggregate classification (germline): Likely pathogenic (1 of 4 stars; one submission).

Conditions:
Nail-patella syndrome (NPS). Also called: TURNER-KIESER SYNDROME; FONG DISEASE; ONYCHOOSTEODYSPLASIA. Identifiers: Orphanet 2614, MedGen C0027341, MONDO:0008061, OMIM 161200.

Submission:

Greenwood Genetic Center Diagnostic Laboratories, Greenwood Genetic Center
Classification: Likely pathogenic for Nail-patella syndrome. Last evaluated: 2022-07-28. Review status: criteria provided, single submitter. Criteria: ACMG Guidelines, 2015. Collection method: clinical testing. Allele origin: germline. Affected: yes.
Comment: PVS1 PM2

NM_001174147.2(LMX1B):c.722del (p.Ser241fs)

Gene: LMX1B (LIM homeobox transcription factor 1 beta; plus strand). Cytogenetic location: 9q33.3.
Variant type: Deletion.
Coding change: c.722del on transcript NM_001174147.2 (MANE Select); coding-DNA position 722, one base deleted (C; older notation c.722delC).
Protein change: p.Ser241fs; shifts the reading frame from serine 241.
Molecular consequence: frameshift variant.
Genome position (GRCh38, 1-based): chr9:126,693,304, C deleted. VCF-style (leftmost placement, unchanged base first): chr9-126693303-TC-T. GRCh37 (hg19) VCF-style: chr9-129455582-TC-T.
Other names: c.722del, p.Ser241fs (NM_001174146.2, NM_002316.4); short protein forms S241fs.
Identifiers: ClinVar variation 1710466 (VCV001710466.3), dbSNP rs2490688207, ClinGen allele CA2580079541.